The following is an entry in ClinVar:

NM_001458.5(FLNC):c.4066T>G (p.Phe1356Val)

Gene: FLNC (filamin C; plus strand). Cytogenetic location: 7q32.1.
Variant type: single nucleotide variant.
Coding change: c.4066T>G on transcript NM_001458.5 (MANE Select); coding-DNA position 4066, T replaced by G.
Protein change: p.Phe1356Val; replaces phenylalanine 1356 with valine.
Molecular consequence: missense variant.
Genome position (GRCh38, 1-based): chr7:128,846,402, T>G. VCF-style: chr7-128846402-T-G. GRCh37 (hg19) VCF-style: chr7-128486456-T-G.
Other names: c.4066T>G, p.Phe1356Val (NM_001127487.2); short protein forms F1356V.
Identifiers: ClinVar variation 1003406 (VCV001003406.9), dbSNP rs1276975364, ClinGen allele CA369199043.
Genomic context (GRCh38, chr7:128,846,402, plus strand): 5'-CCCAAGAGCCCCTTCCGAGTGGGCGTGACCGAGGGCTGTGATCCCACCCGCGTCCGAGCC[T>G]TCGGGCCAGGCCTGGAGGGTGGCTTGGTCAACAAGGCCAACCGATTCACTGTGGAGACCA-3'
Protein context (NP_001449.3, residues 1346-1366): EGCDPTRVRA[Phe1356Val]GPGLEGGLVN

ClinVar aggregate classification (germline): Uncertain significance (1 of 4 stars; one submission).

Conditions:
Distal myopathy with posterior leg and anterior hand involvement. Also called: WILLIAMS DISTAL MYOPATHY. Identifiers: Orphanet 63273, MedGen C3279722, MONDO:0013550, OMIM 614065.
Hypertrophic cardiomyopathy 26. Also called: Cardiomyopathy, familial hypertrophic, 26. Identifiers: Orphanet 75249, MedGen C4310749, MONDO:0014883, OMIM 617047.
Myofibrillar myopathy 5. Also called: Filaminopathy (type); FILAMINOPATHY, AUTOSOMAL DOMINANT. Identifiers: Orphanet 171445, MedGen C1836050, MONDO:0012289, OMIM 609524.

Allele frequency attached by ClinVar (database versions not stated): gnomAD exomes 0.00001.
gnomAD v4.1: 3 of 1,609,676 alleles (0.00019%); highest among the groups gnomAD compares: South Asian, 0.0033%; no homozygotes.

Submission:

Labcorp Genetics (formerly Invitae), Labcorp
Classification: Uncertain significance for Distal myopathy with posterior leg and anterior hand involvement; Myofibrillar myopathy 5; Hypertrophic cardiomyopathy 26. Last evaluated: 2022-01-13. Review status: criteria provided, single submitter. Criteria: Invitae Variant Classification Sherloc (09022015). Collection method: clinical testing. Allele origin: germline.
Comment: This sequence change replaces phenylalanine, which is neutral and non-polar, with valine, which is neutral and non-polar, at codon 1356 of the FLNC protein (p.Phe1356Val). This variant is present in population databases (no rsID available, gnomAD 0.006%). In summary, the available evidence is currently insufficient to determine the role of this variant in disease. Therefore, it has been classified as a Variant of Uncertain Significance. Algorithms developed to predict the effect of missense changes on protein structure and function are either unavailable or do not agree on the potential impact of this missense change (SIFT: "Deleterious"; PolyPhen-2: "Benign"; Align-GVGD: "Class C0"). ClinVar contains an entry for this variant (Variation ID: 1003406). This variant has not been reported in the literature in individuals affected with FLNC-related conditions.